The following is an entry in ClinVar:

ClinVar aggregate classification (germline): Uncertain significance (1 of 4 stars; one submission).

Conditions:
Combined immunodeficiency due to DOCK8 deficiency (HIES2). Also called: HIES autosomal recessive; Hyper-IgE recurrent infection syndrome, autosomal recessive; DOCK8 Deficiency; HYPER-IgE RECURRENT INFECTION SYNDROME 2, AUTOSOMAL RECESSIVE; HYPER-IgE SYNDROME 2, AUTOSOMAL RECESSIVE, WITH RECURRENT INFECTIONS. Identifiers: Orphanet 217390, MedGen C4722305, MONDO:0009478, OMIM 243700.

Allele frequency attached by ClinVar (database versions not stated): TOPMed below 0.00001; gnomAD 0.00001.
gnomAD v4.1: 12 of 1,614,088 alleles (0.00074%); highest among the groups gnomAD compares: Non-Finnish European, 0.00093%; no homozygotes.

Submission:

Labcorp Genetics (formerly Invitae), Labcorp
Classification: Uncertain significance for Combined immunodeficiency due to DOCK8 deficiency. Last evaluated: 2025-05-29. Review status: criteria provided, single submitter. Criteria: Invitae Variant Classification Sherloc (09022015). Collection method: clinical testing. Allele origin: germline.
Comment: This sequence change replaces lysine, which is basic and polar, with threonine, which is neutral and polar, at codon 1348 of the DOCK8 protein (p.Lys1348Thr). The frequency data for this variant in the population databases is considered unreliable, as metrics indicate poor data quality at this position in the gnomAD database. This variant has not been reported in the literature in individuals affected with DOCK8-related conditions. ClinVar contains an entry for this variant (Variation ID: 2874291). Invitae Evidence Modeling of protein sequence and biophysical properties (such as structural, functional, and spatial information, amino acid conservation, physicochemical variation, residue mobility, and thermodynamic stability) indicates that this missense variant is not expected to disrupt DOCK8 protein function with a negative predictive value of 80%. In summary, the available evidence is currently insufficient to determine the role of this variant in disease. Therefore, it has been classified as a Variant of Uncertain Significance.

NM_203447.4(DOCK8):c.4043A>C (p.Lys1348Thr)

Gene: DOCK8 (dedicator of cytokinesis 8; plus strand). Cytogenetic location: 9p24.3.
Variant type: single nucleotide variant.
Coding change: c.4043A>C on transcript NM_203447.4 (MANE Select); coding-DNA position 4043, A replaced by C.
Protein change: p.Lys1348Thr; replaces lysine 1348 with threonine.
Molecular consequence: missense variant.
Genome position (GRCh38, 1-based): chr9:420,968, A>C. VCF-style: chr9-420968-A-C. GRCh37 (hg19) VCF-style: chr9-420968-A-C.
Other names: c.3743A>C, p.Lys1248Thr (NM_001190458.2); c.3839A>C, p.Lys1280Thr (NM_001193536.2); short protein forms K1348T, K1280T, K1248T.
Identifiers: ClinVar variation 2874291 (VCV002874291.3), dbSNP rs199920672, ClinGen allele CA187790918.